The following is an entry in ClinVar:

NM_001042492.3(NF1):c.3668T>G (p.Ile1223Arg)

Gene: NF1 (neurofibromin 1; plus strand). Cytogenetic location: 17q11.2.
Variant type: single nucleotide variant.
Coding change: c.3668T>G on transcript NM_001042492.3 (MANE Select); coding-DNA position 3668, T replaced by G.
Protein change: p.Ile1223Arg; replaces isoleucine 1223 with arginine.
Molecular consequence: missense variant.
Genome position (GRCh38, 1-based): chr17:31,233,173, T>G. VCF-style: chr17-31233173-T-G. GRCh37 (hg19) VCF-style: chr17-29560191-T-G.
Other names: c.3668T>G, p.Ile1223Arg (NM_000267.4); short protein forms I1223R.
Identifiers: ClinVar variation 439979 (VCV000439979.11), dbSNP rs1555615091, ClinGen allele CA398990558.
Genomic context (GRCh38, chr17:31,233,173, plus strand): 5'-ATCGGTTTGAGAGATTGGTGGAACTGGTCACAATGATGGGTGATCAAGGAGAACTCCCTA[T>G]AGCGATGGCTCTGGCCAATGTGGTTCCTTGTTCTCAGTGGGTAAGTGATTAGAGTAAGCG-3'
Protein context (NP_001035957.1, residues 1213-1233): TMMGDQGELP[Ile1223Arg]AMALANVVPC

ClinVar aggregate classification (germline): Conflicting classifications of pathogenicity. Review status: criteria provided, conflicting classifications (1 of 4 stars). 2 submissions from 2 submitters: Pathogenic (1); Uncertain significance (1). Last evaluated 2023-12-11.

Conditions:
Neurofibromatosis, type 1 (NF1). Also called: Neurofibromatosis, type I; Peripheral type neurofibromatosis; VON RECKLINGHAUSEN DISEASE; NEUROFIBROMATOSIS, TYPE I, SOMATIC. Identifiers: Orphanet 636, MedGen C0027831, MONDO:0018975, OMIM 162200. Disease mechanism: loss of function.

Submissions (2):

Labcorp Genetics (formerly Invitae), Labcorp
Classification: Pathogenic for Neurofibromatosis, type 1. Last evaluated: 2023-12-11. Review status: criteria provided, single submitter. Criteria: Invitae Variant Classification Sherloc (09022015). Collection method: clinical testing. Allele origin: germline.
Comment: This sequence change replaces isoleucine, which is neutral and non-polar, with arginine, which is basic and polar, at codon 1223 of the NF1 protein (p.Ile1223Arg). This variant is not present in population databases (gnomAD no frequency). This missense change has been observed in individual(s) with neurofibromatosis type 1 (Invitae). In at least one individual the variant was observed to be de novo. ClinVar contains an entry for this variant (Variation ID: 439979). Advanced modeling of protein sequence and biophysical properties (such as structural, functional, and spatial information, amino acid conservation, physicochemical variation, residue mobility, and thermodynamic stability) performed at Invitae indicates that this missense variant is expected to disrupt NF1 protein function with a positive predictive value of 95%. For these reasons, this variant has been classified as Pathogenic.

ARUP Laboratories, Molecular Genetics and Genomics, ARUP Laboratories
Classification: Uncertain significance. Last evaluated: 2016-10-03. Review status: criteria provided, single submitter. Criteria: ARUP Molecular Germline Variant Investigation Process. Collection method: clinical testing. Allele origin: germline.